The following is an entry in ClinVar:

ClinVar aggregate classification (germline): Uncertain significance (1 of 4 stars; one submission).

Conditions:
Bardet-Biedl syndrome (BBS). Identifiers: Orphanet 110, MedGen C0752166, MONDO:0015229.

Allele frequency attached by ClinVar (database versions not stated): gnomAD exomes below 0.00001.

Submission:

Labcorp Genetics (formerly Invitae), Labcorp
Classification: Uncertain significance for Bardet-Biedl syndrome. Last evaluated: 2024-10-21. Review status: criteria provided, single submitter. Criteria: Invitae Variant Classification Sherloc (09022015). Collection method: clinical testing. Allele origin: germline.
Comment: This sequence change replaces serine, which is neutral and polar, with glycine, which is neutral and non-polar, at codon 200 of the BBS5 protein (p.Ser200Gly). This variant is not present in population databases (gnomAD no frequency). This variant has not been reported in the literature in individuals affected with BBS5-related conditions. ClinVar contains an entry for this variant (Variation ID: 1361648). Invitae Evidence Modeling of protein sequence and biophysical properties (such as structural, functional, and spatial information, amino acid conservation, physicochemical variation, residue mobility, and thermodynamic stability) indicates that this missense variant is expected to disrupt BBS5 protein function with a positive predictive value of 80%. In summary, the available evidence is currently insufficient to determine the role of this variant in disease. Therefore, it has been classified as a Variant of Uncertain Significance.

NM_152384.3(BBS5):c.598A>G (p.Ser200Gly)

Gene: BBS5 (Bardet-Biedl syndrome 5; plus strand). Cytogenetic location: 2q31.1.
Variant type: single nucleotide variant.
Coding change: c.598A>G on transcript NM_152384.3 (MANE Select); coding-DNA position 598, A replaced by G.
Protein change: p.Ser200Gly; replaces serine 200 with glycine.
Molecular consequence: missense variant.
Genome position (GRCh38, 1-based): chr2:169,493,816, A>G. VCF-style: chr2-169493816-A-G. GRCh37 (hg19) VCF-style: chr2-170350326-A-G.
Other names: short protein forms S200G.
Identifiers: ClinVar variation 1361648 (VCV001361648.5), dbSNP rs2105298246, ClinGen allele CA349165165.